The following is an entry in ClinVar:

ClinVar aggregate classification (germline): Pathogenic (1 of 4 stars; one submission).

Allele frequency attached by ClinVar (database versions not stated): gnomAD 0.00001; TOPMed 0.00001.

Submission:

Labcorp Genetics (formerly Invitae), Labcorp
Classification: Pathogenic. Last evaluated: 2023-02-11. Review status: criteria provided, single submitter. Criteria: Invitae Variant Classification Sherloc (09022015). Collection method: clinical testing. Allele origin: germline.
Comment: This sequence change creates a premature translational stop signal (p.Ala5947Serfs*21) in the ADGRV1 gene. It is expected to result in an absent or disrupted protein product. Loss-of-function variants in ADGRV1 are known to be pathogenic (PMID: 19357117, 22135276, 22147658, 26226137, 30718709, 31047384, 32467589). This variant is not present in population databases (gnomAD no frequency). This variant has not been reported in the literature in individuals affected with ADGRV1-related conditions. For these reasons, this variant has been classified as Pathogenic.

Literature cited by the submitters: PubMed 19357117; PubMed 22135276; PubMed 22147658; PubMed 26226137; PubMed 30718709; PubMed 31047384; PubMed 32467589.

NM_032119.4(ADGRV1):c.17838dup (p.Ala5947fs)

Gene: ADGRV1 (adhesion G protein-coupled receptor V1; plus strand). Cytogenetic location: 5q14.3.
Variant type: Duplication.
Coding change: c.17838dup on transcript NM_032119.4 (MANE Select); coding-DNA position 17838, one base duplicated (A; older notation c.17838dupA).
Protein change: p.Ala5947fs; shifts the reading frame from alanine 5947.
Molecular consequence: frameshift variant. On other transcripts: non-coding transcript variant (1).
Genome position (GRCh38, 1-based): chr5:90,863,839, A duplicated. VCF-style (leftmost placement, unchanged base first): chr5-90863838-C-CA. GRCh37 (hg19) VCF-style: chr5-90159655-C-CA.
Other names: short protein forms A5947fs.
Identifiers: ClinVar variation 2836243 (VCV002836243.3), dbSNP rs1429385936, ClinGen allele CA815376975.